The following is an entry in ClinVar:

NM_000059.4(BRCA2):c.9029dup (p.His3010fs)

Gene: BRCA2 (BRCA2 DNA repair associated; plus strand). Cytogenetic location: 13q13.1.
Variant type: Duplication.
Coding change: c.9029dup on transcript NM_000059.4 (MANE Select); coding-DNA position 9029, one base duplicated (A; older notation c.9029dupA).
Protein change: p.His3010fs; shifts the reading frame from histidine 3010.
Molecular consequence: frameshift variant. On other transcripts: non-coding transcript variant (1).
Genome position (GRCh38, 1-based): chr13:32,379,825, A duplicated. VCF-style (leftmost placement, unchanged base first): chr13-32379824-C-CA. GRCh37 (hg19) VCF-style: chr13-32953961-C-CA.
Other names: c.8978dup, p.His2993fs (NM_001406720.1); c.4097dup, p.His1366fs (NM_001406721.1); c.9029dup, p.His3010fs (NM_001432077.1); c.8933dup, p.His2978fs (NM_001406719.1); c.2612dup, p.His871fs (NM_001406722.1); short protein forms H2978fs, H3010fs, H1366fs, H871fs, H2993fs.
Identifiers: ClinVar variation 3658971 (VCV003658971.2).

ClinVar aggregate classification (germline): Pathogenic (1 of 4 stars; one submission).

Conditions:
Hereditary breast ovarian cancer syndrome. Also called: Hereditary breast and ovarian cancer syndrome; Hereditary breast and/or ovarian cancer syndrome; Hereditary breast and ovarian cancer; Breast and ovarian cancer; Hereditary breast and ovarian cancer syndrome (HBOC); BRCA1- and BRCA2-Associated Hereditary Breast and Ovarian Cancer. Identifiers: Orphanet 145, MedGen C0677776, MeSH D061325, MONDO:0003582. Disease mechanism: loss of function.

Submission:

Labcorp Genetics (formerly Invitae), Labcorp
Classification: Pathogenic for Hereditary breast ovarian cancer syndrome. Last evaluated: 2024-07-08. Review status: criteria provided, single submitter. Criteria: Invitae Variant Classification Sherloc (09022015). Collection method: clinical testing. Allele origin: germline.
Comment: This sequence change creates a premature translational stop signal (p.His3010Glnfs*8) in the BRCA2 gene. It is expected to result in an absent or disrupted protein product. Loss-of-function variants in BRCA2 are known to be pathogenic (PMID: 20104584). This variant is not present in population databases (gnomAD no frequency). This variant has not been reported in the literature in individuals affected with BRCA2-related conditions. Algorithms developed to predict the effect of sequence changes on RNA splicing suggest that this variant may disrupt the consensus splice site. For these reasons, this variant has been classified as Pathogenic.

Literature cited by the submitters: PubMed 20104584.